The following is an entry in ClinVar:

ClinVar aggregate classification (germline): Uncertain significance (1 of 4 stars; one submission).

Conditions:
Dilated cardiomyopathy 1CC (CMD1CC). Identifiers: Orphanet 154, MedGen C2751084, MONDO:0013147, OMIM 613122.
Hypertrophic cardiomyopathy 20. Identifiers: MedGen C3151267, MONDO:0013477, OMIM 613876.

Allele frequency attached by ClinVar (database versions not stated): TOPMed below 0.00001.

Submission:

Labcorp Genetics (formerly Invitae), Labcorp
Classification: Uncertain significance for Dilated cardiomyopathy 1CC; Hypertrophic cardiomyopathy 20. Last evaluated: 2022-08-09. Review status: criteria provided, single submitter. Criteria: Invitae Variant Classification Sherloc (09022015). Collection method: clinical testing. Allele origin: germline.
Comment: In summary, the available evidence is currently insufficient to determine the role of this variant in disease. Therefore, it has been classified as a Variant of Uncertain Significance. Algorithms developed to predict the effect of missense changes on protein structure and function are either unavailable or do not agree on the potential impact of this missense change (SIFT: "Deleterious"; PolyPhen-2: "Probably Damaging"; Align-GVGD: "Class C0"). ClinVar contains an entry for this variant (Variation ID: 1502758). This variant has not been reported in the literature in individuals affected with NEXN-related conditions. This variant is not present in population databases (gnomAD no frequency). This sequence change replaces glycine, which is neutral and non-polar, with cysteine, which is neutral and slightly polar, at codon 441 of the NEXN protein (p.Gly441Cys).

NM_144573.4(NEXN):c.1321G>T (p.Gly441Cys)

Gene: NEXN (nexilin F-actin binding protein; plus strand). Cytogenetic location: 1p31.1.
Variant type: single nucleotide variant.
Coding change: c.1321G>T on transcript NM_144573.4 (MANE Select); coding-DNA position 1321, G replaced by T.
Protein change: p.Gly441Cys; replaces glycine 441 with cysteine.
Molecular consequence: missense variant.
Genome position (GRCh38, 1-based): chr1:77,935,892, G>T. VCF-style: chr1-77935892-G-T. GRCh37 (hg19) VCF-style: chr1-78401577-G-T.
Other names: c.1129G>T, p.Gly377Cys (NM_001172309.2); short protein forms G441C, G377C.
Identifiers: ClinVar variation 1502758 (VCV001502758.6), dbSNP rs1650716200, ClinGen allele CA340878643.